The following is an entry in ClinVar:

NM_007186.6(CEP250):c.6398C>T (p.Pro2133Leu)

Gene: CEP250 (centrosomal protein 250; plus strand). Cytogenetic location: 20q11.22.
Variant type: single nucleotide variant.
Coding change: c.6398C>T on transcript NM_007186.6 (MANE Select); coding-DNA position 6398, C replaced by T.
Protein change: p.Pro2133Leu; replaces proline 2133 with leucine.
Molecular consequence: missense variant.
Genome position (GRCh38, 1-based): chr20:35,504,767, C>T. VCF-style: chr20-35504767-C-T. GRCh37 (hg19) VCF-style: chr20-34092595-C-T.
Other names: c.4502C>T, p.Pro1501Leu (NM_001318219.1); c.6398C>T (NM_007186.3); short protein forms P1501L, P2133L.
Identifiers: ClinVar variation 1393364 (VCV001393364.7), dbSNP rs1452737526, ClinGen allele CA408757123.

ClinVar aggregate classification (germline): Uncertain significance. Review status: criteria provided, multiple submitters, no conflicts (2 of 4 stars). 2 submissions from 2 submitters: Uncertain significance (2). Last evaluated 2025-11-20.

Allele frequency attached by ClinVar (database versions not stated): gnomAD 0.00001; gnomAD exomes below 0.00001; TOPMed 0.00002.
gnomAD v4.1: 6 of 1,614,082 alleles (0.00037%); highest among the groups gnomAD compares: African/African-American, 0.0067%; no homozygotes.

Submissions (2):

Ambry Genetics
Classification: Uncertain significance. Last evaluated: 2025-11-20. Review status: criteria provided, single submitter. Criteria: Ambry Variant Classification Scheme 2023. Collection method: clinical testing. Allele origin: germline.

Labcorp Genetics (formerly Invitae), Labcorp
Classification: Uncertain significance. Last evaluated: 2024-11-05. Review status: criteria provided, single submitter. Criteria: Invitae Variant Classification Sherloc (09022015). Collection method: clinical testing. Allele origin: germline.
Comment: This sequence change replaces proline with leucine at codon 2133 of the CEP250 protein (p.Pro2133Leu). The proline residue is weakly conserved and there is a moderate physicochemical difference between proline and leucine. This variant is not present in population databases (gnomAD no frequency). This variant has not been reported in the literature in individuals affected with CEP250-related conditions. ClinVar contains an entry for this variant (Variation ID: 1393364). An algorithm developed to predict the effect of missense changes on protein structure and function (PolyPhen-2) suggests that this variant is likely to be disruptive. In summary, the available evidence is currently insufficient to determine the role of this variant in disease. Therefore, it has been classified as a Variant of Uncertain Significance.